The following is an entry in ClinVar:

ClinVar aggregate classification (germline): Likely benign. Review status: criteria provided, multiple submitters, no conflicts (2 of 4 stars). 3 submissions from 3 submitters: Likely benign (3). Last evaluated 2025-12-03.

Conditions:
Inborn genetic diseases. Identifiers: MedGen C0950123, MeSH D030342.

Allele frequency attached by ClinVar (database versions not stated): ESP Exome Variant Server 0.00062; TOPMed 0.00062; ExAC 0.00064; gnomAD exomes 0.00064 and 0.00088; gnomAD 0.00071.
gnomAD v4.1: 1,382 of 1,613,802 alleles (0.086%); highest among the groups gnomAD compares: Non-Finnish European, 0.1%; 2 homozygotes.

Submissions (3):

Labcorp Genetics (formerly Invitae), Labcorp
Classification: Likely benign. Last evaluated: 2025-12-03. Review status: criteria provided, single submitter. Criteria: Invitae Variant Classification Sherloc (09022015). Collection method: clinical testing. Allele origin: germline.

CeGaT Center for Human Genetics Tuebingen
Classification: Likely benign. Last evaluated: 2024-03-01. Review status: criteria provided, single submitter. Criteria: CeGaT Center For Human Genetics Tuebingen Variant Classification Criteria Version 2. Collection method: clinical testing. Allele origin: germline. Affected: yes. Observed: 6 variant alleles.
Comment: PHF21A: BS1

Ambry Genetics
Classification: Likely benign for Inborn genetic diseases. Last evaluated: 2022-02-11. Review status: criteria provided, single submitter. Criteria: Ambry Variant Classification Scheme 2023. Collection method: clinical testing. Allele origin: germline.

NM_001352027.3(PHF21A):c.344A>G (p.Asn115Ser)

Gene: PHF21A (PHD finger protein 21A; minus strand). Cytogenetic location: 11p11.2.
Variant type: single nucleotide variant.
Coding change: c.344A>G on transcript NM_001352027.3 (MANE Select); coding-DNA position 344, A replaced by G.
Protein change: p.Asn115Ser; replaces asparagine 115 with serine.
Molecular consequence: missense variant. On other transcripts: non-coding transcript variant (2).
Genome position (GRCh38, 1-based): chr11:45,979,776, T>C on the plus strand (A>G on the coding strand, the complement: PHF21A is on the minus strand). VCF-style: chr11-45979776-T-C. GRCh37 (hg19) VCF-style: chr11-46001327-T-C.
Other names: c.344A>G, p.Asn115Ser (NM_001101802.3, NM_001352025.3, NM_001352026.3 and 6 more transcripts); c.344A>G (NM_001101802.1); short protein forms N115S.
Identifiers: ClinVar variation 1554069 (VCV001554069.35), dbSNP rs143629966, ClinGen allele CA5961370.